The following is an entry in ClinVar:

ClinVar aggregate classification (germline): Pathogenic/Likely pathogenic. Review status: criteria provided, multiple submitters, no conflicts (2 of 4 stars). 3 submissions from 3 submitters: Pathogenic (1); Likely pathogenic (2). Last evaluated 2026-09-01.

Conditions:
F8-related disorders.

Allele frequency attached by ClinVar (database versions not stated): gnomAD exomes below 0.00001.
gnomAD v4.1: 1 of 1,206,623 alleles (0.000083%); highest among the groups gnomAD compares: Non-Finnish European, 0.00011%; no homozygotes.

Submissions (3):

CeGaT Center for Human Genetics Tuebingen
Classification: Likely pathogenic. Last evaluated: 2026-09-01. Review status: criteria provided, single submitter. Criteria: CeGaT Center For Human Genetics Tuebingen Variant Classification Criteria Version 2. Collection method: clinical testing. Allele origin: germline. Affected: yes. Observed: 1 variant allele.
Comment: F8: PM1, PM2, PM3, PM5:Supporting

Blueprint Genetics
Classification: Pathogenic for F8-related disorders. Last evaluated: 2024-03-19. Review status: criteria provided, single submitter. Criteria: ACMG Guidelines, 2015. Collection method: clinical testing. Allele origin: germline. Affected: yes. Observed: 1 variant allele.

Mayo Clinic Laboratories, Mayo Clinic
Classification: Likely pathogenic. Last evaluated: 2022-04-06. Review status: criteria provided, single submitter. Criteria: ACMG Guidelines, 2015. Collection method: clinical testing. Allele origin: germline. Observed: 1 variant allele.
Comment: PP3, PM2, PM3_supporting, PS4_moderate

NM_000132.4(F8):c.5405A>G (p.Tyr1802Cys)

Gene: F8 (coagulation factor VIII; minus strand). Cytogenetic location: Xq28.
Variant type: single nucleotide variant.
Coding change: c.5405A>G on transcript NM_000132.4 (MANE Select); coding-DNA position 5405, A replaced by G.
Protein change: p.Tyr1802Cys; replaces tyrosine 1802 with cysteine.
Molecular consequence: missense variant.
Genome position (GRCh38, 1-based): chrX:154,904,992, T>C on the plus strand (A>G on the coding strand, the complement: F8 is on the minus strand). VCF-style: chrX-154904992-T-C. GRCh37 (hg19) VCF-style: chrX-154133267-T-C.
Other names: p.Tyr1802Cys; short protein forms Y1802C.
Identifiers: ClinVar variation 2683569 (VCV002683569.3), dbSNP rs2523885738, ClinGen allele CA414909004.
Genomic context (GRCh38, chrX:154,904,992, plus strand): 5'-CTAGGTTCTGCTCCTTGCCTCTGATCTTCCTCATAAGAAATAAGGCTAGAATAGAAGGAA[T>C]AGGGACGAGAGGCCTGATTTCTGAAAGTTACCTGTAGAACAATAACGACAAAAAAAAAAA-3'
Protein context (NP_000123.1, residues 1792-1812): VTFRNQASRP[Tyr1802Cys]SFYSSLISYE